The following is an entry in ClinVar:

ClinVar aggregate classification (germline): Likely benign. Review status: criteria provided, multiple submitters, no conflicts (2 of 4 stars). 2 submissions from 2 submitters: Likely benign (2). Last evaluated 2025-11-05.

Conditions:
Danon disease. Also called: Glycogen Storage Disease Type IIb; ANTOPOL DISEASE; PSEUDOGLYCOGENOSIS II; GSD IIb; LYSOSOMAL GLYCOGEN STORAGE DISEASE WITHOUT ACID MALTASE DEFICIENCY. Identifiers: Orphanet 34587, MedGen C0878677, MONDO:0010281, OMIM 300257.

Allele frequency attached by ClinVar (database versions not stated): gnomAD exomes below 0.00001 and 0.00001.
gnomAD v4.1: 2 of 1,183,436 alleles (0.00017%); highest among the groups gnomAD compares: Admixed American, 0.0043%; no homozygotes.

Submissions (2):

Labcorp Genetics (formerly Invitae), Labcorp
Classification: Likely benign for Danon disease. Last evaluated: 2025-11-05. Review status: criteria provided, single submitter. Criteria: Invitae Variant Classification Sherloc (09022015). Collection method: clinical testing. Allele origin: germline.

GeneDx
Classification: Likely benign. Last evaluated: 2016-07-11. Review status: criteria provided, single submitter. Criteria: GeneDx Variant Classification (06012015). Collection method: clinical testing. Allele origin: germline. Affected: yes.
Comment: This variant is considered likely benign or benign based on one or more of the following criteria: it is a conservative change, it occurs at a poorly conserved position in the protein, it is predicted to be benign by multiple in silico algorithms, and/or has population frequency not consistent with disease.

NM_002294.3(LAMP2):c.865-9T>C

Gene: LAMP2 (lysosome associated membrane protein 2; minus strand). Cytogenetic location: Xq24.
Variant type: single nucleotide variant.
Coding change: c.865-9T>C on transcript NM_002294.3 (MANE Select); 9 bases into the intron before coding-DNA position 865, T replaced by C.
Molecular consequence: intron variant.
Genome position (GRCh38, 1-based): chrX:120,442,671, A>G on the plus strand (T>C on the coding strand, the complement: LAMP2 is on the minus strand). VCF-style: chrX-120442671-A-G. GRCh37 (hg19) VCF-style: chrX-119576526-A-G.
Other names: c.865-9T>C (NM_001122606.1, NM_013995.2).
Identifiers: ClinVar variation 387612 (VCV000387612.3), dbSNP rs1057522838, ClinGen allele CA16608256.